The following is an entry in ClinVar:

ClinVar aggregate classification (germline): Likely benign (1 of 4 stars; one submission).

Submission:

CeGaT Center for Human Genetics Tuebingen
Classification: Likely benign. Last evaluated: 2026-08-01. Review status: criteria provided, single submitter. Criteria: CeGaT Center For Human Genetics Tuebingen Variant Classification Criteria Version 2. Collection method: clinical testing. Allele origin: germline. Affected: yes. Observed: 2 variant alleles.
Comment: RAC3: BP4, BP7

NM_005052.3(RAC3):c.69C>T (p.Tyr23=)

Gene: RAC3 (Rac family small GTPase 3; plus strand). Cytogenetic location: 17q25.3.
Variant type: single nucleotide variant.
Coding change: c.69C>T on transcript NM_005052.3 (MANE Select); coding-DNA position 69, C replaced by T.
Protein change: p.Tyr23=; no amino-acid change (tyrosine 23 retained).
Molecular consequence: synonymous variant.
Genome position (GRCh38, 1-based): chr17:82,032,420, C>T. VCF-style: chr17-82032420-C-T. GRCh37 (hg19) VCF-style: chr17-79990296-C-T.
Other names: c.69C>T, p.Tyr23= (NM_001316307.2).
Identifiers: ClinVar variation 4084115 (VCV004084115.8).